The following is an entry in ClinVar:

NM_006218.4(PIK3CA):c.518C>G (p.Ser173Cys)

Gene: PIK3CA (phosphatidylinositol-4,5-bisphosphate 3-kinase catalytic subunit alpha; plus strand). Cytogenetic location: 3q26.32.
Variant type: single nucleotide variant.
Coding change: c.518C>G on transcript NM_006218.4 (MANE Select); coding-DNA position 518, C replaced by G.
Protein change: p.Ser173Cys; replaces serine 173 with cysteine.
Molecular consequence: missense variant.
Genome position (GRCh38, 1-based): chr3:179,199,855, C>G. VCF-style: chr3-179199855-C-G. GRCh37 (hg19) VCF-style: chr3-178917643-C-G.
Other names: short protein forms S173C.
Identifiers: ClinVar variation 3418538 (VCV003418538.1).

ClinVar aggregate classification (germline): Uncertain significance (1 of 4 stars; one submission).

Conditions:
Inborn genetic diseases. Identifiers: MedGen C0950123, MeSH D030342.

Submission:

Ambry Genetics
Classification: Uncertain significance for Inborn genetic diseases. Last evaluated: 2024-09-30. Review status: criteria provided, single submitter. Criteria: Ambry Variant Classification Scheme 2023. Collection method: clinical testing. Allele origin: germline.
Comment: The p.S173C variant (also known as c.518C>G), located in coding exon 2 of the PIK3CA gene, results from a C to G substitution at nucleotide position 518. The serine at codon 173 is replaced by cysteine, an amino acid with dissimilar properties. This amino acid position is conserved. In addition, the in silico prediction for this alteration is inconclusive. Based on the available evidence, the clinical significance of this variant remains unclear.